The following is an entry in ClinVar:

NM_024675.4(PALB2):c.433A>G (p.Ser145Gly)

Gene: PALB2 (partner and localizer of BRCA2; minus strand). Cytogenetic location: 16p12.2.
Variant type: single nucleotide variant.
Coding change: c.433A>G on transcript NM_024675.4 (MANE Select); coding-DNA position 433, A replaced by G.
Protein change: p.Ser145Gly; replaces serine 145 with glycine.
Molecular consequence: missense variant.
Genome position (GRCh38, 1-based): chr16:23,636,113, T>C on the plus strand (A>G on the coding strand, the complement: PALB2 is on the minus strand). VCF-style: chr16-23636113-T-C. GRCh37 (hg19) VCF-style: chr16-23647434-T-C.
Other names: short protein forms S145G.
Identifiers: ClinVar variation 1485997 (VCV001485997.11), dbSNP rs2142443524, ClinGen allele CA395137290.

ClinVar aggregate classification (germline): Conflicting classifications of pathogenicity. Review status: criteria provided, conflicting classifications (1 of 4 stars). 2 submissions from 2 submitters: Uncertain significance (1); Likely benign (1). Last evaluated 2023-08-10.

Conditions:
Hereditary cancer-predisposing syndrome. Also called: Hereditary neoplastic syndrome; Neoplastic Syndromes, Hereditary; Hereditary Cancer Syndrome; Tumor predisposition. Identifiers: Orphanet 140162, MedGen C0027672, MeSH D009386, MONDO:0015356.
Familial cancer of breast. Also called: Hereditary breast cancer; BREAST CANCER, FAMILIAL; hereditary breast carcinoma. Identifiers: Orphanet 227535, MedGen C0346153, MONDO:0016419, OMIM 114480. Disease mechanism: loss of function.

Submissions (2):

Labcorp Genetics (formerly Invitae), Labcorp
Classification: Uncertain significance for Familial cancer of breast. Last evaluated: 2023-08-10. Review status: criteria provided, single submitter. Criteria: Invitae Variant Classification Sherloc (09022015). Collection method: clinical testing. Allele origin: germline.
Comment: In summary, the available evidence is currently insufficient to determine the role of this variant in disease. Therefore, it has been classified as a Variant of Uncertain Significance. Algorithms developed to predict the effect of missense changes on protein structure and function output the following: SIFT: "Not Available"; PolyPhen-2: "Benign"; Align-GVGD: "Not Available". The glycine amino acid residue is found in multiple mammalian species, which suggests that this missense change does not adversely affect protein function. ClinVar contains an entry for this variant (Variation ID: 1485997). This variant has not been reported in the literature in individuals affected with PALB2-related conditions. This variant is not present in population databases (gnomAD no frequency). This sequence change replaces serine, which is neutral and polar, with glycine, which is neutral and non-polar, at codon 145 of the PALB2 protein (p.Ser145Gly).

Ambry Genetics
Classification: Likely benign for Hereditary cancer-predisposing syndrome. Last evaluated: 2020-12-31. Review status: criteria provided, single submitter. Criteria: Ambry Variant Classification Scheme 2023. Collection method: clinical testing. Allele origin: germline.